The following is an entry in ClinVar:

ClinVar aggregate classification (germline): Uncertain significance (1 of 4 stars; one submission).

Conditions:
Inborn genetic diseases. Identifiers: MedGen C0950123, MeSH D030342.

Submission:

Ambry Genetics
Classification: Uncertain significance for Inborn genetic diseases. Last evaluated: 2026-07-08. Review status: criteria provided, single submitter. Criteria: Ambry Variant Classification Scheme 2023. Collection method: clinical testing. Allele origin: germline.
Comment: The c.1406A>C (p.K469T) alteration is located in exon 11 (coding exon 10) of the BRAT1 gene. This alteration results from a A to C substitution at nucleotide position 1406, causing the lysine (K) at amino acid position 469 to be replaced by a threonine (T). Based on data from gnomAD, the C allele has an overall frequency of 0.004% (9/218926) total alleles studied. The highest observed frequency was 0.042% (9/21424) of African alleles. Based on insufficient or conflicting evidence, the clinical significance of this alteration remains unclear.

NM_152743.4(BRAT1):c.1406A>C (p.Lys469Thr)

Gene: BRAT1 (BRCA1 associated ATM activator 1; minus strand). Cytogenetic location: 7p22.3.
Variant type: single nucleotide variant.
Coding change: c.1406A>C on transcript NM_152743.4 (MANE Select); coding-DNA position 1406, A replaced by C.
Protein change: p.Lys469Thr; replaces lysine 469 with threonine.
Molecular consequence: missense variant. On other transcripts: non-coding transcript variant (1).
Genome position (GRCh38, 1-based): chr7:2,539,878, T>G on the plus strand (A>C on the coding strand, the complement: BRAT1 is on the minus strand). VCF-style: chr7-2539878-T-G. GRCh37 (hg19) VCF-style: chr7-2579512-T-G.
Other names: c.1406A>C, p.Lys469Thr (NM_001350626.2); c.881A>C, p.Lys294Thr (NM_001350627.2); short protein forms K294T, K469T.
Identifiers: ClinVar variation 5033149 (VCV005033149.1).
Genomic context (GRCh38, chr7:2,539,878, plus strand): 5'-TCAGAGCAGCCGGGGGTCTTGGGTGAGCTCAGGAGCCACCTGAGCGTGGCCTGGAAGGCC[T>G]TCTTCAGAACCTGGAGCAGATAGGGTGGGCTGCAGGGCCACGGGAGACGGAGGGGCAGGC-3'
Protein context (NP_689956.2, residues 459-479): SPGSSPTVLK[Lys469Thr]AFQATLRWLL